The following is an entry in ClinVar:

NM_004360.5(CDH1):c.1436A>G (p.Asp479Gly)

Gene: CDH1 (cadherin 1; plus strand). Cytogenetic location: 16q22.1.
Variant type: single nucleotide variant.
Coding change: c.1436A>G on transcript NM_004360.5 (MANE Select); coding-DNA position 1436, A replaced by G.
Protein change: p.Asp479Gly; replaces aspartic acid 479 with glycine.
Molecular consequence: missense variant. On other transcripts: 5 prime UTR variant (2).
Genome position (GRCh38, 1-based): chr16:68,815,630, A>G. VCF-style: chr16-68815630-A-G. GRCh37 (hg19) VCF-style: chr16-68849533-A-G.
Other names: c.1436A>G (LRG_301t1); c.1253A>G, p.Asp418Gly (NM_001317184.2); c.-113A>G (NM_001317185.2); c.-384A>G (NM_001317186.2); short protein forms D479G, D418G.
Identifiers: ClinVar variation 463717 (VCV000463717.12), dbSNP rs1555516131, ClinGen allele CA396463013.

ClinVar aggregate classification (germline): Uncertain significance. Review status: criteria provided, multiple submitters, no conflicts (2 of 4 stars). 2 submissions from 2 submitters: Uncertain significance (2). Last evaluated 2026-03-19.

Conditions:
Hereditary cancer-predisposing syndrome. Also called: Hereditary Cancer Syndrome; Tumor predisposition; Hereditary neoplastic syndrome; Neoplastic Syndromes, Hereditary. Identifiers: Orphanet 140162, MedGen C0027672, MeSH D009386, MONDO:0015356.
Hereditary diffuse gastric adenocarcinoma (HDGC). Also called: DIFFUSE GASTRIC AND LOBULAR BREAST CANCER SYNDROME. Identifiers: Orphanet 26106, MedGen C1708349, MONDO:0007648, OMIM 137215.

Allele frequency attached by ClinVar (database versions not stated): TOPMed below 0.00001.

Submissions (2):

Ambry Genetics
Classification: Uncertain significance for Hereditary cancer-predisposing syndrome. Last evaluated: 2026-03-19. Review status: criteria provided, single submitter. Criteria: Ambry Variant Classification Scheme 2023. Collection method: clinical testing. Allele origin: germline.

Labcorp Genetics (formerly Invitae), Labcorp
Classification: Uncertain significance for Hereditary diffuse gastric adenocarcinoma. Last evaluated: 2024-08-31. Review status: criteria provided, single submitter. Criteria: Invitae Variant Classification Sherloc (09022015). Collection method: clinical testing. Allele origin: germline.
Comment: This sequence change replaces aspartic acid, which is acidic and polar, with glycine, which is neutral and non-polar, at codon 479 of the CDH1 protein (p.Asp479Gly). This variant is not present in population databases (gnomAD no frequency). This variant has not been reported in the literature in individuals affected with CDH1-related conditions. ClinVar contains an entry for this variant (Variation ID: 463717). An algorithm developed to predict the effect of missense changes on protein structure and function (PolyPhen-2) suggests that this variant is likely to be disruptive. RNA analysis performed to evaluate the impact of this missense change on mRNA splicing indicates it does not significantly alter splicing (internal data). In summary, the available evidence is currently insufficient to determine the role of this variant in disease. Therefore, it has been classified as a Variant of Uncertain Significance.